The following is an entry in ClinVar:

NM_000444.6(PHEX):c.1966_1969dup (p.Tyr657fs)

Genes: PHEX (phosphate regulating endopeptidase homolog X-linked; plus strand), PTCHD1-AS (PTCHD1 antisense RNA (head to head); minus strand). Cytogenetic location: Xp22.11.
Variant type: Duplication.
Coding change: c.1966_1969dup on transcript NM_000444.6 (MANE Select); coding-DNA positions 1966 to 1969, 4 bases duplicated (GCTT; older notation c.1966_1969dupGCTT).
Protein change: p.Tyr657fs; shifts the reading frame from tyrosine 657.
Molecular consequence: frameshift variant. On other transcripts: non-coding transcript variant (1).
Genome position (GRCh38, 1-based): chrX:22,227,507-22,227,510, GCTT duplicated. VCF-style (leftmost placement, unchanged base first): chrX-22227506-G-GGCTT. GRCh37 (hg19) VCF-style: chrX-22245623-G-GGCTT.
Other names: c.1966_1969dup, p.Tyr657fs (NM_001282754.2); short protein forms Y657fs.
Identifiers: ClinVar variation 420131 (VCV000420131.2), dbSNP rs1556151046, ClinGen allele CA16621337.
Genomic context (GRCh38, chrX:22,227,506, plus strand): 5'-AGCTGAGCAAAGAGAAAAACCCACCGTTGCAGAGACTCATCTCTTCTTCTTCTCTCACCA[G>GGCTT]GCTTACAGGAAATGGATAAATGACAGAAGGCAGGGACTTGAGGAGCCTCTTCTACCAGGC-3'

ClinVar aggregate classification (germline): Pathogenic (1 of 4 stars; one submission).

Submission:

GeneDx
Classification: Pathogenic. Last evaluated: 2017-01-26. Review status: criteria provided, single submitter. Criteria: GeneDx Variant Classification (06012015). Collection method: clinical testing. Allele origin: germline. Affected: yes.
Comment: The c.1966_1969dupGCTT pathogenic variant in the PHEX gene has been reported previously in association with hypophosphatemic rickets (Ruppe et al., 2011). The duplication causes a frameshift starting with codon Tyrosine 657, changes this amino acid to a Cysteine residue and creates a premature Stop codon at position 8 of the new reading frame, denoted p.Tyr657CysfsX8. The c.1966_1969dupGCTT variant was not observed in approximately 6,500 individuals of European and African American ancestry in the NHLBI Exome Sequencing Project, indicating it is not a common benign variant in these populations. This pathogenic variant is predicted to cause loss of normal protein function either through protein truncation or nonsense-mediated mRNA decay.